The following is an entry in ClinVar:

NM_001001433.3(STX16):c.-350C>A

Genes: STX16 (syntaxin 16; plus strand), STX16-NPEPL1 (STX16-NPEPL1 readthrough (NMD candidate); plus strand). Cytogenetic location: 20q13.32.
Variant type: single nucleotide variant.
Coding change: c.-350C>A on transcript NM_001001433.3 (MANE Select); 350 bases upstream of the start codon, C replaced by A.
Molecular consequence: 5 prime UTR variant. On other transcripts: non-coding transcript variant (2), intron variant (1).
Genome position (GRCh38, 1-based): chr20:58,651,657, C>A. VCF-style: chr20-58651657-C-A. GRCh37 (hg19) VCF-style: chr20-57226713-C-A.
Other names: c.-350C>A (NM_001134772.3, NM_001134773.3, NM_003763.6); c.-94+223C>A (NM_001204868.2).
Identifiers: ClinVar variation 339040 (VCV000339040.6), dbSNP rs41296205, ClinGen allele CA10652701.
Genomic context (GRCh38, chr20:58,651,657, plus strand): 5'-GGTAGAGAGCAGAGACCTCCGGGGGGTCTCAGGGAGTAGGGGGCTTCAGGGCCTCCCAGT[C>A]TAGAGCCGGATTGGCGAGTTAGACGCTTGTAGATCCAAGGTTGGATTGGGGTGGGGTCTC-3'

ClinVar aggregate classification (germline): Benign. Review status: criteria provided, multiple submitters, no conflicts (2 of 4 stars). 2 submissions from 2 submitters: Benign (2). Last evaluated 2018-01-13.

Conditions:
Pseudohypoparathyroidism type 1B (PHP1B). Also called: PHP IB; Pseudohypoparathyroidism Ib (PHP-Ib); Pseudohypoparathyroidism Type IB. Identifiers: Orphanet 94089, MedGen C1864100, MONDO:0011301, OMIM 603233.

Allele frequency attached by ClinVar (database versions not stated): 1000 Genomes Project 30x 0.03513; 1000 Genomes Project 0.03714; gnomAD 0.04872; TOPMed 0.04893; gnomAD exomes 0.06542.
gnomAD v4.1: 14,283 of 251,442 alleles (5.7%); highest among the groups gnomAD compares: Non-Finnish European, 7.2%; 531 homozygotes.

Submissions (2):

Illumina Laboratory Services, Illumina
Classification: Benign for Pseudohypoparathyroidism type 1B. Last evaluated: 2018-01-13. Review status: criteria provided, single submitter. Criteria: ICSL Variant Classification Criteria 13 December 2019. Collection method: clinical testing. Allele origin: germline.
Comment: This variant was observed in the ICSL laboratory as part of a predisposition screen in an ostensibly healthy population. It had not been previously curated by ICSL or reported in the Human Gene Mutation Database (HGMD: prior to June 1st, 2018), and was therefore a candidate for classification through an automated scoring system. Utilizing variant allele frequency, disease prevalence and penetrance estimates, and inheritance mode, an automated score was calculated to assess if this variant is too frequent to cause the disease. Based on the score and internal cut-off values, a variant classified as benign is not then subjected to further curation. The score for this variant resulted in a classification of benign for this disease.

Breakthrough Genomics
Classification: Benign. Review status: criteria provided, single submitter. Criteria: ACMG Guidelines, 2015. Collection method: not provided. Allele origin: germline. Inheritance: Autosomal dominant inheritance. Affected: yes.